The following is an entry in ClinVar:

NM_000543.5(SMPD1):c.973C>G (p.Pro325Ala)

Gene: SMPD1 (sphingomyelin phosphodiesterase 1; plus strand). Cytogenetic location: 11p15.4.
Variant type: single nucleotide variant.
Coding change: c.973C>G on transcript NM_000543.5 (MANE Select); coding-DNA position 973, C replaced by G.
Protein change: p.Pro325Ala; replaces proline 325 with alanine.
Molecular consequence: missense variant. On other transcripts: non-coding transcript variant (1).
Genome position (GRCh38, 1-based): chr11:6,392,038, C>G. VCF-style: chr11-6392038-C-G. GRCh37 (hg19) VCF-style: chr11-6413268-C-G.
Other names: c.970C>G, p.Pro324Ala (NM_001007593.3); c.973C>G, p.Pro325Ala (NM_001318087.2, NM_001365135.2); c.12C>G, p.His4Gln (NM_001318088.2); short protein forms P325A, H4Q, P324A.
Identifiers: ClinVar variation 633427 (VCV000633427.16), dbSNP rs761308217, ClinGen allele CA5852719.
Genomic context (GRCh38, chr11:6,392,038, plus strand): 5'-GTGAGGAAGTTCCTGGGGCCAGTGCCAGTGTACCCTGCTGTGGGTAACCATGAAAGCACA[C>G]CTGTCAATAGCTTCCCTCCCCCCTTCATTGAGGGCAACCACTCCTCCCGCTGGCTCTATG-3'
Protein context (NP_000534.3, residues 315-335): YPAVGNHEST[Pro325Ala]VNSFPPPFIE

ClinVar aggregate classification (germline): Pathogenic/Likely pathogenic. Review status: criteria provided, multiple submitters, no conflicts (2 of 4 stars). 4 submissions from 4 submitters: Pathogenic (1); Likely pathogenic (3). Last evaluated 2026-07-07.

Conditions:
Acid sphingomyelinase deficiency. Identifiers: Orphanet 618899, MedGen C5243927, MONDO:0100464.
Niemann-Pick disease, type B. Also called: Chronic Visceral ASMD (Niemann-Pick Disease Type B; NPD-B). Identifiers: Orphanet 77293, MedGen C0268243, MONDO:0011871, OMIM 607616. Disease mechanism: loss of function.
Niemann-Pick disease, type A. Also called: Infantile Neurovisceral ASMD (Niemann-Pick Disease Type A; NPD-A); SPHINGOMYELIN LIPIDOSIS; SPHINGOMYELINASE DEFICIENCY. Identifiers: Orphanet 77292, MedGen C0268242, MONDO:0009756, OMIM 257200. Disease mechanism: loss of function.

Allele frequency attached by ClinVar (database versions not stated): gnomAD exomes below 0.00001 and 0.00003; TOPMed below 0.00001; ExAC 0.00001; gnomAD 0.00001.
gnomAD v4.1: 39 of 1,614,054 alleles (0.0024%); highest among the groups gnomAD compares: Non-Finnish European, 0.0033%; no homozygotes.

Submissions (4):

Myriad Genetics, Inc.
Classification: Likely pathogenic for Acid sphingomyelinase deficiency. Last evaluated: 2026-07-07. Review status: criteria provided, single submitter. Criteria: Myriad Autosomal Dominant, Autosomal Recessive and X-Linked Classification Criteria (2023). Collection method: clinical testing. Allele origin: unknown.
Comment: NM_000543.4(SMPD1):c.973C>G(P325A) is a missense variant classified as likely pathogenic in the context of Niemann-Pick disease, SMPD1-related. P325A has been observed in cases with relevant disease (PMID: 17011332, 40106870). Relevant functional assessments of this variant are available in the literature (PMID: 23430512). P325A has been observed in referenced population frequency databases. In summary, NM_000543.4(SMPD1):c.973C>G(P325A) is a missense variant that has functional support for pathogenicity and has been observed more frequently in cases with the relevant disease than in healthy populations. Please note: this variant was assessed in the context of healthy population screening.

Women's Health and Genetics/Laboratory Corporation of America, LabCorp
Classification: Likely pathogenic for Niemann-Pick disease, type A. Last evaluated: 2026-01-28. Review status: criteria provided, single submitter. Criteria: LabCorp Variant Classification Summary - May 2015. Collection method: clinical testing. Allele origin: germline.
Comment: Variant summary: SMPD1 c.973C>G (p.Pro325Ala) results in a non-conservative amino acid change located in the Calcineurin-like phosphoesterase domain, ApaH type of the encoded protein sequence. Algorithms developed to predict the effect of missense changes on protein structure and function all suggest that this variant is likely to be disruptive. The variant allele was found at a frequency of 4e-06 in 251464 control chromosomes. c.973C>G has been observed in individuals affected with Niemann-Pick Disease Type A (Simonaro_2002, Froissart_2025). These data indicate that the variant may be associated with disease. At least one publication reports experimental evidence evaluating an impact on protein function (Rhein_2012). The most pronounced variant effect results in <5% of normal activity. The following publications have been ascertained in the context of this evaluation (PMID: 40106870, 26084044, 23430512, 12369017, 26499107). ClinVar contains an entry for this variant (Variation ID: 633427). Based on the evidence outlined above, the variant was classified as likely pathogenic.

Natera, Inc.
Classification: Likely pathogenic for Niemann-Pick Disease, Types A/B. Last evaluated: 2025-12-09. Review status: criteria provided, single submitter. Criteria: Natera Variant Classification Schema (03/2026). Collection method: clinical testing. Allele origin: germline.
Comment: The c.973C>G variant in SMPD1 is a missense variant predicted to cause substitution of proline to alanine at amino acid 325. This variant is rare in the general population with a frequency below the threshold expected for the associated phenotype(s). This variant has been observed in one or more individuals affected with the associated recessive disease, as either homozygous or compound heterozygous with a second variant (PMID: 40106870, 15234149). Functional studies show that this variant may disrupt protein function (PMID: 23430512, 26084044). Computational prediction algorithms indicate this variant is likely to affect gene or protein function. Given the available evidence, this variant is classified as Likely Pathogenic.

Labcorp Genetics (formerly Invitae), Labcorp
Classification: Pathogenic for Niemann-Pick disease, type B; Niemann-Pick disease, type A. Last evaluated: 2025-08-10. Review status: criteria provided, single submitter. Criteria: Invitae Variant Classification Sherloc (09022015). Collection method: clinical testing. Allele origin: germline.
Comment: This sequence change replaces proline, which is neutral and non-polar, with alanine, which is neutral and non-polar, at codon 325 of the SMPD1 protein (p.Pro325Ala). This variant is present in population databases (rs761308217, gnomAD 0.0009%). This missense change has been observed in individual(s) with SMPD1-related conditions (PMID: 15545621). In at least one individual the data is consistent with being in trans (on the opposite chromosome) from a pathogenic variant. This variant is also known as p.P323A. ClinVar contains an entry for this variant (Variation ID: 633427). Invitae Evidence Modeling of protein sequence and biophysical properties (such as structural, functional, and spatial information, amino acid conservation, physicochemical variation, residue mobility, and thermodynamic stability) indicates that this missense variant is expected to disrupt SMPD1 protein function with a positive predictive value of 95%. Experimental studies have shown that this missense change affects SMPD1 function (PMID: 23430512, 26084044). For these reasons, this variant has been classified as Pathogenic.

Literature cited by the submitters: PubMed 17011332 (cited by Myriad Genetics, Inc.); PubMed 23430512 (cited by 4 submitters); PubMed 40106870 (cited by 3 submitters); PubMed 12369017 (cited by Women's Health and Genetics/Laboratory Corporation of America, LabCorp); PubMed 26499107 (cited by Women's Health and Genetics/Laboratory Corporation of America, LabCorp); PubMed 26084044 (cited by 3 submitters); PubMed 15234149 (cited by Natera, Inc.); PubMed 15545621 (cited by Labcorp Genetics (formerly Invitae), Labcorp).